The following is an entry in ClinVar:

NM_004239.4(TRIP11):c.1375G>A (p.Ala459Thr)

Gene: TRIP11 (thyroid hormone receptor interactor 11; minus strand). Cytogenetic location: 14q32.12.
Variant type: single nucleotide variant.
Coding change: c.1375G>A on transcript NM_004239.4 (MANE Select); coding-DNA position 1375, G replaced by A.
Protein change: p.Ala459Thr; replaces alanine 459 with threonine.
Molecular consequence: missense variant.
Genome position (GRCh38, 1-based): chr14:92,007,792, C>T on the plus strand (G>A on the coding strand, the complement: TRIP11 is on the minus strand). VCF-style: chr14-92007792-C-T. GRCh37 (hg19) VCF-style: chr14-92474136-C-T.
Other names: c.1372G>A, p.Ala458Thr (NM_001321851.1); short protein forms A459T, A458T.
Identifiers: ClinVar variation 618445 (VCV000618445.11), dbSNP rs372171033, ClinGen allele CA7313942.

ClinVar aggregate classification (germline): Uncertain significance. Review status: criteria provided, multiple submitters, no conflicts (2 of 4 stars). 2 submissions from 2 submitters: Uncertain significance (2). Last evaluated 2022-06-09.

Conditions:
Inborn genetic diseases. Identifiers: MedGen C0950123, MeSH D030342.

Allele frequency attached by ClinVar (database versions not stated): gnomAD exomes 0.00002 and 0.00007; ExAC 0.00009; 1000 Genomes Project 30x 0.00016; 1000 Genomes Project 0.00020; gnomAD 0.00020 and 0.00021; TOPMed 0.00026; ESP Exome Variant Server 0.00038.
gnomAD v4.1: 58 of 1,613,486 alleles (0.0036%); highest among the groups gnomAD compares: African/African-American, 0.076%; no homozygotes.

Submissions (2):

Ambry Genetics
Classification: Uncertain significance for Inborn genetic diseases. Last evaluated: 2022-06-09. Review status: criteria provided, single submitter. Criteria: Ambry Variant Classification Scheme 2023. Collection method: clinical testing. Allele origin: germline.

ARUP Laboratories, Molecular Genetics and Genomics, ARUP Laboratories
Classification: Uncertain significance. Last evaluated: 2017-05-21. Review status: criteria provided, single submitter. Criteria: ARUP Molecular Germline Variant Investigation Process. Collection method: clinical testing. Allele origin: germline.
Comment: The p.Ala459Thr variant has not been reported in the scientific literature or gene specific variant databases, including ClinVar, nor has it been previously identified in our laboratory. This variant (rs372171033) is listed in the Genome Aggregation Database (gnomAD) browser with a frequency of 0.09 percent (identified on 21 out of 24,012 chromosomes) in African populations and with an overall allele frequency of 0.008 percent (identified on 21 out of 276,630 chromosomes). The alanine 459 is weakly conserved considering 12 species (Alamut version 2.9.0), and number of species including Egyptian gerboa, pig, horse, cat and bat have threonine at this position suggesting that this amino acid change may be evolutionary tolerated. Additionally, computational prediction programs do not support the effect of this variant on the protein (SIFT: tolerated, PolyPhen-2: benign, MutationTaster: polymorphism). Based on the available information, the clinical significance of p.Ala459Thr variant cannot be determined with certainty.